The following is an entry in ClinVar:

NM_033026.6(PCLO):c.6985G>A (p.Glu2329Lys)

Gene: PCLO (piccolo presynaptic cytomatrix protein; minus strand). Cytogenetic location: 7q21.11.
Variant type: single nucleotide variant.
Coding change: c.6985G>A on transcript NM_033026.6 (MANE Select); coding-DNA position 6985, G replaced by A.
Protein change: p.Glu2329Lys; replaces glutamic acid 2329 with lysine.
Molecular consequence: missense variant.
Genome position (GRCh38, 1-based): chr7:82,953,968, C>T on the plus strand (G>A on the coding strand, the complement: PCLO is on the minus strand). VCF-style: chr7-82953968-C-T. GRCh37 (hg19) VCF-style: chr7-82583284-C-T.
Other names: c.6985G>A, p.Glu2329Lys (NM_014510.3); c.6985G>A (NM_033026.5); short protein forms E2329K.
Identifiers: ClinVar variation 1507824 (VCV001507824.7), dbSNP rs370403349, ClinGen allele CA4320378.

ClinVar aggregate classification (germline): Uncertain significance. Review status: criteria provided, multiple submitters, no conflicts (2 of 4 stars). 2 submissions from 2 submitters: Uncertain significance (2). Last evaluated 2025-08-12.

Conditions:
Inborn genetic diseases. Identifiers: MedGen C0950123, MeSH D030342.

Allele frequency attached by ClinVar (database versions not stated): ESP Exome Variant Server 0.00008.
gnomAD v4.1: 30 of 1,613,720 alleles (0.0019%); highest among the groups gnomAD compares: East Asian, 0.0045%; no homozygotes.

Submissions (2):

Ambry Genetics
Classification: Uncertain significance for Inborn genetic diseases. Last evaluated: 2025-08-12. Review status: criteria provided, single submitter. Criteria: Ambry Variant Classification Scheme 2023. Collection method: clinical testing. Allele origin: germline.

Labcorp Genetics (formerly Invitae), Labcorp
Classification: Uncertain significance. Last evaluated: 2024-02-23. Review status: criteria provided, single submitter. Criteria: Invitae Variant Classification Sherloc (09022015). Collection method: clinical testing. Allele origin: germline.
Comment: This sequence change replaces glutamic acid, which is acidic and polar, with lysine, which is basic and polar, at codon 2329 of the PCLO protein (p.Glu2329Lys). This variant is present in population databases (rs370403349, gnomAD 0.006%). This variant has not been reported in the literature in individuals affected with PCLO-related conditions. ClinVar contains an entry for this variant (Variation ID: 1507824). Algorithms developed to predict the effect of missense changes on protein structure and function output the following: SIFT: "Not Available"; PolyPhen-2: "Not Available"; Align-GVGD: "Not Available". The lysine amino acid residue is found in multiple mammalian species, which suggests that this missense change does not adversely affect protein function. In summary, the available evidence is currently insufficient to determine the role of this variant in disease. Therefore, it has been classified as a Variant of Uncertain Significance.